The following is an entry in ClinVar:

NM_014991.6(WDFY3):c.8468G>A (p.Arg2823Gln)

Gene: WDFY3 (WD repeat and FYVE domain containing 3; minus strand). Cytogenetic location: 4q21.23.
Variant type: single nucleotide variant.
Coding change: c.8468G>A on transcript NM_014991.6 (MANE Select); coding-DNA position 8468, G replaced by A.
Protein change: p.Arg2823Gln; replaces arginine 2823 with glutamine.
Molecular consequence: missense variant.
Genome position (GRCh38, 1-based): chr4:84,702,481, C>T on the plus strand (G>A on the coding strand, the complement: WDFY3 is on the minus strand). VCF-style: chr4-84702481-C-T. GRCh37 (hg19) VCF-style: chr4-85623634-C-T.
Other names: short protein forms R2823Q.
Identifiers: ClinVar variation 4076604 (VCV004076604.2).
Genomic context (GRCh38, chr4:84,702,481, plus strand): 5'-ACATCTGCCATATTGTGCTTTGACGCTGAATACCAGGCCTCGCGCACACTGTGAAACATC[C>T]GGTCAGCCAGGTCAAAGTGGCCACCCTGTGGGCAGAATAAGACACCTCTCTATTAGAGAA-3'
Protein context (NP_055806.2, residues 2813-2833): LQGGHFDLAD[Arg2823Gln]MFHSVREAWY

ClinVar aggregate classification (germline): Likely pathogenic. Review status: criteria provided, multiple submitters, no conflicts (2 of 4 stars). 2 submissions from 2 submitters: Likely pathogenic (2). Last evaluated 2025-02-20.

Conditions:
Multiple congenital anomalies/dysmorphic syndrome-intellectual disability. Identifiers: Orphanet 102283, MedGen C5680372, MONDO:0015159.

gnomAD v4.1: 2 of 1,610,782 alleles (0.00012%); highest among the groups gnomAD compares: Non-Finnish European, 0.00017%; no homozygotes.

Submissions (2):

GeneDx
Classification: Likely pathogenic. Last evaluated: 2025-02-20. Review status: criteria provided, single submitter. Criteria: GeneDx Variant Classification Process June 2021. Collection method: clinical testing. Allele origin: germline. Affected: yes.
Comment: Not observed in large population cohorts (gnomAD); In silico analysis supports that this missense variant has a deleterious effect on protein structure/function; Has not been previously published as pathogenic or benign to our knowledge

AURAGEN, Plan France Médecine Génomique
Classification: Likely pathogenic for Multiple congenital anomalies/dysmorphic syndrome-intellectual disability. Last evaluated: 2022-08-05. Review status: criteria provided, single submitter. Criteria: PFMG2025 (Lancet Reg Health Eur. 2025). Collection method: clinical testing. Allele origin: germline. Affected: yes.